The following is an entry in ClinVar:

NM_014956.5(CEP164):c.1316A>T (p.Gln439Leu)

Gene: CEP164 (centrosomal protein 164; plus strand). Cytogenetic location: 11q23.3.
Variant type: single nucleotide variant.
Coding change: c.1316A>T on transcript NM_014956.5 (MANE Select); coding-DNA position 1316, A replaced by T.
Protein change: p.Gln439Leu; replaces glutamine 439 with leucine.
Molecular consequence: missense variant.
Genome position (GRCh38, 1-based): chr11:117,375,790, A>T. VCF-style: chr11-117375790-A-T. GRCh37 (hg19) VCF-style: chr11-117246506-A-T.
Other names: c.1316A>T, p.Gln439Leu (NM_001271933.2); c.1316A>T (NM_014956.4); short protein forms Q439L.
Identifiers: ClinVar variation 1039419 (VCV001039419.12), dbSNP rs143370558, ClinGen allele CA6294709.

ClinVar aggregate classification (germline): Conflicting classifications of pathogenicity. Review status: criteria provided, conflicting classifications (1 of 4 stars). 4 submissions from 4 submitters: Uncertain significance (3); Likely benign (1). Last evaluated 2026-04-20.

Conditions:
CEP164-related disorder. Also called: CEP164-related condition.
Nephronophthisis 15 (NPHP15). Identifiers: Orphanet 3156, MedGen C3541853, MONDO:0013917, OMIM 614845.

Allele frequency attached by ClinVar (database versions not stated): ExAC 0.00007; TOPMed 0.00015; 1000 Genomes Project 30x 0.00016; gnomAD 0.00018; 1000 Genomes Project 0.00020; ESP Exome Variant Server 0.00023.
gnomAD v4.1: 82 of 1,614,024 alleles (0.0051%); highest among the groups gnomAD compares: African/African-American, 0.075%; no homozygotes.

Submissions (4):

PreventionGenetics, part of Exact Sciences
Classification: Uncertain significance for CEP164-related condition. Last evaluated: 2026-04-20. Review status: criteria provided, single submitter. Criteria: ACMG Guidelines, 2015. Collection method: clinical testing. Allele origin: germline.
Comment: The CEP164 c.1316A>T variant is predicted to result in the amino acid substitution p.Gln439Leu. To our knowledge, this variant has not been reported in the literature. This variant is reported in 0.064% of alleles in individuals of African descent in gnomAD. Although we suspect that this variant may be benign, at this time, the clinical significance of this variant is uncertain due to the absence of conclusive functional and genetic evidence.

Labcorp Genetics (formerly Invitae), Labcorp
Classification: Uncertain significance for Nephronophthisis 15. Last evaluated: 2025-09-09. Review status: criteria provided, single submitter. Criteria: Invitae Variant Classification Sherloc (09022015). Collection method: clinical testing. Allele origin: germline.
Comment: This sequence change replaces glutamine, which is neutral and polar, with leucine, which is neutral and non-polar, at codon 439 of the CEP164 protein (p.Gln439Leu). This variant is present in population databases (rs143370558, gnomAD 0.06%). This variant has not been reported in the literature in individuals affected with CEP164-related conditions. ClinVar contains an entry for this variant (Variation ID: 1039419). An algorithm developed to predict the effect of missense changes on protein structure and function (PolyPhen-2) suggests that this variant is likely to be tolerated. In summary, the available evidence is currently insufficient to determine the role of this variant in disease. Therefore, it has been classified as a Variant of Uncertain Significance.

Blueprint Genetics
Classification: Likely benign. Last evaluated: 2024-01-19. Review status: criteria provided, single submitter. Criteria: ACMG Guidelines, 2015. Collection method: clinical testing. Allele origin: germline.

Fulgent Genetics
Classification: Uncertain significance for Nephronophthisis 15. Last evaluated: 2021-09-13. Review status: criteria provided, single submitter. Criteria: ACMG Guidelines, 2015. Collection method: clinical testing. Allele origin: unknown.